The following is an entry in ClinVar:

ClinVar aggregate classification (germline): Uncertain significance (1 of 4 stars; one submission).

Submission:

Labcorp Genetics (formerly Invitae), Labcorp
Classification: Uncertain significance. Last evaluated: 2024-08-28. Review status: criteria provided, single submitter. Criteria: Invitae Variant Classification Sherloc (09022015). Collection method: clinical testing. Allele origin: germline.
Comment: This sequence change replaces arginine, which is basic and polar, with glutamine, which is neutral and polar, at codon 55 of the FAR1 protein (p.Arg55Gln). This variant is not present in population databases (gnomAD no frequency). This variant has not been reported in the literature in individuals affected with FAR1-related conditions. Invitae Evidence Modeling of protein sequence and biophysical properties (such as structural, functional, and spatial information, amino acid conservation, physicochemical variation, residue mobility, and thermodynamic stability) indicates that this missense variant is expected to disrupt FAR1 protein function with a positive predictive value of 80%. In summary, the available evidence is currently insufficient to determine the role of this variant in disease. Therefore, it has been classified as a Variant of Uncertain Significance.

NM_032228.6(FAR1):c.164G>A (p.Arg55Gln)

Gene: FAR1 (fatty acyl-CoA reductase 1; plus strand). Cytogenetic location: 11p15.3.
Variant type: single nucleotide variant.
Coding change: c.164G>A on transcript NM_032228.6 (MANE Select); coding-DNA position 164, G replaced by A.
Protein change: p.Arg55Gln; replaces arginine 55 with glutamine.
Molecular consequence: missense variant.
Genome position (GRCh38, 1-based): chr11:13,694,929, G>A. VCF-style: chr11-13694929-G-A. GRCh37 (hg19) VCF-style: chr11-13716476-G-A.
Other names: short protein forms R55Q.
Identifiers: ClinVar variation 3680225 (VCV003680225.2).